The following is an entry in ClinVar:

ClinVar aggregate classification (germline): Uncertain significance (1 of 4 stars; one submission).

Conditions:
Neurodevelopmental disorder with or without hyperkinetic movements and seizures, autosomal dominant. Also called: Intellectual disability, autosomal dominant 8. Identifiers: MedGen C3280282, MONDO:0013655, OMIM 614254.

Submission:

Labcorp Genetics (formerly Invitae), Labcorp
Classification: Uncertain significance for Neurodevelopmental disorder with or without hyperkinetic movements and seizures, autosomal dominant. Last evaluated: 2024-03-27. Review status: criteria provided, single submitter. Criteria: Invitae Variant Classification Sherloc (09022015). Collection method: clinical testing. Allele origin: germline.
Comment: This sequence change replaces serine, which is neutral and polar, with phenylalanine, which is neutral and non-polar, at codon 646 of the GRIN1 protein (p.Ser646Phe). This variant is not present in population databases (gnomAD no frequency). This variant has not been reported in the literature in individuals affected with GRIN1-related conditions. Advanced modeling of protein sequence and biophysical properties (such as structural, functional, and spatial information, amino acid conservation, physicochemical variation, residue mobility, and thermodynamic stability) has been performed at Invitae for this missense variant, however the output from this modeling did not meet the statistical confidence thresholds required to predict the impact of this variant on GRIN1 protein function. In summary, the available evidence is currently insufficient to determine the role of this variant in disease. Therefore, it has been classified as a Variant of Uncertain Significance.

NM_007327.4(GRIN1):c.1937C>T (p.Ser646Phe)

Gene: GRIN1 (glutamate ionotropic receptor NMDA type subunit 1; plus strand). Cytogenetic location: 9q34.3.
Variant type: single nucleotide variant.
Coding change: c.1937C>T on transcript NM_007327.4 (MANE Select); coding-DNA position 1937, C replaced by T.
Protein change: p.Ser646Phe; replaces serine 646 with phenylalanine.
Molecular consequence: missense variant.
Genome position (GRCh38, 1-based): chr9:137,162,663, C>T. VCF-style: chr9-137162663-C-T. GRCh37 (hg19) VCF-style: chr9-140057115-C-T.
Other names: c.1937C>T, p.Ser646Phe (NM_000832.7, NM_021569.4); c.2000C>T, p.Ser667Phe (NM_001185090.2, NM_001185091.2); short protein forms S646F, S667F.
Identifiers: ClinVar variation 3647821 (VCV003647821.2).